The following is an entry in ClinVar:

ClinVar aggregate classification (germline): Uncertain significance (1 of 4 stars; one submission).

Conditions:
Hereditary cancer-predisposing syndrome. Also called: Neoplastic Syndromes, Hereditary; Tumor predisposition; Hereditary Cancer Syndrome; Hereditary neoplastic syndrome. Identifiers: Orphanet 140162, MedGen C0027672, MeSH D009386, MONDO:0015356.

Submission:

Ambry Genetics
Classification: Uncertain significance for Hereditary cancer-predisposing syndrome. Last evaluated: 2022-02-03. Review status: criteria provided, single submitter. Criteria: Ambry Variant Classification Scheme 2023. Collection method: clinical testing. Allele origin: germline.
Comment: The p.I1161M variant (also known as c.3483C>G), located in coding exon 17 of the BLM gene, results from a C to G substitution at nucleotide position 3483. The isoleucine at codon 1161 is replaced by methionine, an amino acid with highly similar properties. This amino acid position is conserved. In addition, this alteration is predicted to be tolerated by in silico analysis. Since supporting evidence is limited at this time, the clinical significance of this alteration remains unclear.

NM_000057.4(BLM):c.3483C>G (p.Ile1161Met)

Gene: BLM (BLM RecQ like helicase; plus strand). Cytogenetic location: 15q26.1.
Variant type: single nucleotide variant.
Coding change: c.3483C>G on transcript NM_000057.4 (MANE Select); coding-DNA position 3483, C replaced by G.
Protein change: p.Ile1161Met; replaces isoleucine 1161 with methionine.
Molecular consequence: missense variant. On other transcripts: intron variant (1).
Genome position (GRCh38, 1-based): chr15:90,803,645, C>G. VCF-style: chr15-90803645-C-G. GRCh37 (hg19) VCF-style: chr15-91346875-C-G.
Other names: c.3483C>G, p.Ile1161Met (NM_001287246.2); c.2358C>G, p.Ile786Met (NM_001287248.2); c.3358+5308C>G (NM_001287247.2); short protein forms I1161M, I786M.
Identifiers: ClinVar variation 1731861 (VCV001731861.2), dbSNP rs2505547416, ClinGen allele CA393847700.